The following is an entry in ClinVar:

NM_003072.5(SMARCA4):c.4913A>G (p.Asp1638Gly)

Gene: SMARCA4 (SWI/SNF related, matrix associated, actin dependent regulator of chromatin, subfamily a, member 4; plus strand). Cytogenetic location: 19p13.2.
Variant type: single nucleotide variant.
Coding change: c.4913A>G on transcript NM_003072.5 (MANE Select); coding-DNA position 4913, A replaced by G.
Protein change: p.Asp1638Gly; replaces aspartic acid 1638 with glycine.
Molecular consequence: missense variant. On other transcripts: non-coding transcript variant (1).
Genome position (GRCh38, 1-based): chr19:11,061,785, A>G. VCF-style: chr19-11061785-A-G. GRCh37 (hg19) VCF-style: chr19-11172461-A-G.
Other names: c.4913A>G, p.Asp1638Gly (NM_001128844.3); c.4823A>G, p.Asp1608Gly (NM_001128845.2); c.4820A>G, p.Asp1607Gly (NM_001128846.2); c.4814A>G, p.Asp1605Gly (NM_001128847.4, NM_001374457.1); c.4811A>G, p.Asp1604Gly (NM_001128848.2); c.5009A>G, p.Asp1670Gly (NM_001128849.3, NM_001387283.1); short protein forms D1604G, D1605G, D1607G, D1608G, D1638G, D1670G.
Identifiers: ClinVar variation 1690819 (VCV001690819.2), dbSNP rs2076916661, ClinGen allele CA404081784.

ClinVar aggregate classification (germline): Uncertain significance (1 of 4 stars; one submission).

Submission:

Laboratorio de Genetica e Diagnostico Molecular, Hospital Israelita Albert Einstein
Classification: Uncertain significance. Last evaluated: 2020-02-21. Review status: criteria provided, single submitter. Criteria: ACMG Guidelines, 2015. Collection method: clinical testing. Allele origin: germline. Affected: yes.
Comment: ACMG classification criteria: PM2, BP4